The following is an entry in ClinVar:

ClinVar aggregate classification (germline): Uncertain significance (1 of 4 stars; one submission).

Submission:

GeneDx
Classification: Uncertain significance. Last evaluated: 2025-07-15. Review status: criteria provided, single submitter. Criteria: GeneDx Variant Classification Process June 2021. Collection method: clinical testing. Allele origin: germline. Affected: yes.
Comment: Not observed at significant frequency in large population cohorts (gnomAD); In silico analysis supports that this missense variant has a deleterious effect on protein structure/function; In-silico analysis is inconclusive as to whether the variant alters gene splicing. In the absence of RNA/functional studies, the actual effect of this sequence change is unknown.; Has not been previously published as pathogenic or benign to our knowledge

NM_020732.3:c.4186T>C

Gene: ARID1B (AT-rich interaction domain 1B; plus strand).
Variant type: single nucleotide variant.
Other names: c.4186T>C (NM_020732.3).
Identifiers: ClinVar variation 4686146 (VCV004686146.1).